The following is an entry in ClinVar:

ClinVar aggregate classification (germline): Uncertain significance. Review status: criteria provided, multiple submitters, no conflicts (2 of 4 stars). 3 submissions from 3 submitters: Uncertain significance (3). Last evaluated 2025-10-01.

Allele frequency attached by ClinVar (database versions not stated): TOPMed below 0.00001; gnomAD exomes 0.00001.

Submissions (3):

Women's Health and Genetics/Laboratory Corporation of America, LabCorp
Classification: Uncertain significance. Last evaluated: 2025-10-01. Review status: criteria provided, single submitter. Criteria: LabCorp Variant Classification Summary - May 2015. Collection method: clinical testing. Allele origin: germline.
Comment: Variant summary: BSND c.782T>C (p.Ile261Thr) results in a non-conservative amino acid change in the encoded protein sequence. Algorithms developed to predict the effect of missense changes on protein structure and function are either unavailable or do not agree on the potential impact of this missense change. The variant allele was found at a frequency of 8e-06 in 251090 control chromosomes. The available data on variant occurrences in the general population are insufficient to allow any conclusion about variant significance. To our knowledge, no occurrence of c.782T>C in individuals affected with BSND-related conditions and no experimental evidence demonstrating its impact on protein function have been reported. ClinVar contains an entry for this variant (Variation ID: 2994983). Based on the evidence outlined above, the variant was classified as uncertain significance.

GeneDx
Classification: Uncertain significance. Last evaluated: 2025-08-07. Review status: criteria provided, single submitter. Criteria: GeneDx Variant Classification Process June 2021. Collection method: clinical testing. Allele origin: germline. Affected: yes.
Comment: Not observed at significant frequency in large population cohorts (gnomAD); In silico analysis suggests that this missense variant does not alter protein structure/function; Has not been previously published as pathogenic or benign to our knowledge

Labcorp Genetics (formerly Invitae), Labcorp
Classification: Uncertain significance. Last evaluated: 2023-10-02. Review status: criteria provided, single submitter. Criteria: Invitae Variant Classification Sherloc (09022015). Collection method: clinical testing. Allele origin: germline.
Comment: This sequence change replaces isoleucine, which is neutral and non-polar, with threonine, which is neutral and polar, at codon 261 of the BSND protein (p.Ile261Thr). This variant is present in population databases (no rsID available, gnomAD 0.002%). This variant has not been reported in the literature in individuals affected with BSND-related conditions. Advanced modeling of protein sequence and biophysical properties (such as structural, functional, and spatial information, amino acid conservation, physicochemical variation, residue mobility, and thermodynamic stability) performed at Invitae indicates that this missense variant is not expected to disrupt BSND protein function. In summary, the available evidence is currently insufficient to determine the role of this variant in disease. Therefore, it has been classified as a Variant of Uncertain Significance.

NM_057176.3(BSND):c.782T>C (p.Ile261Thr)

Gene: BSND (barttin CLCNK type accessory subunit beta; plus strand). Cytogenetic location: 1p32.3.
Variant type: single nucleotide variant.
Coding change: c.782T>C on transcript NM_057176.3 (MANE Select); coding-DNA position 782, T replaced by C.
Protein change: p.Ile261Thr; replaces isoleucine 261 with threonine.
Molecular consequence: missense variant.
Genome position (GRCh38, 1-based): chr1:55,008,447, T>C. VCF-style: chr1-55008447-T-C. GRCh37 (hg19) VCF-style: chr1-55474120-T-C.
Other names: c.782T>C (NM_057176.2); short protein forms I261T.
Identifiers: ClinVar variation 2994983 (VCV002994983.5), dbSNP rs866957790, ClinGen allele CA22769752.